The following is an entry in ClinVar:

NM_021226.4(ARHGAP22):c.989-189C>T

Gene: ARHGAP22 (Rho GTPase activating protein 22; minus strand). Cytogenetic location: 10q11.22.
Variant type: single nucleotide variant.
Coding change: c.989-189C>T on transcript NM_021226.4 (MANE Select); 189 bases into the intron before coding-DNA position 989, C replaced by T.
Molecular consequence: intron variant. On other transcripts: non-coding transcript variant (3).
Genome position (GRCh38, 1-based): chr10:48,451,329, G>A on the plus strand (C>T on the coding strand, the complement: ARHGAP22 is on the minus strand). VCF-style: chr10-48451329-G-A. GRCh37 (hg19) VCF-style: chr10-49659372-G-A.
Other names: c.1007-189C>T (NM_001347738.2, NM_001256025.3); c.860-189C>T (NM_001347735.2); c.1037-189C>T (NM_001256024.2); c.719-189C>T (NM_001256026.2).
Identifiers: ClinVar variation 2640448 (VCV002640448.24), dbSNP rs750166303, ClinGen allele CA5491298.

ClinVar aggregate classification (germline): Likely benign (1 of 4 stars; one submission).

Allele frequency attached by ClinVar (database versions not stated): gnomAD 0.00054; TOPMed 0.00055; gnomAD exomes 0.00081; ExAC 0.00468.
gnomAD v4.1: 659 of 824,612 alleles (0.08%); highest among the groups gnomAD compares: Non-Finnish European, 0.014%; 10 homozygotes.

Submission:

CeGaT Center for Human Genetics Tuebingen
Classification: Likely benign. Last evaluated: 2022-03-01. Review status: criteria provided, single submitter. Criteria: CeGaT Center For Human Genetics Tuebingen Variant Classification Criteria Version 2. Collection method: clinical testing. Allele origin: germline. Affected: yes. Observed: 1 variant allele.
Comment: ARHGAP22: BP4